The following is an entry in ClinVar:

NM_000138.5(FBN1):c.4748-2dup

Gene: FBN1 (fibrillin 1; minus strand). Cytogenetic location: 15q21.1.
Variant type: Duplication.
Coding change: c.4748-2dup on transcript NM_000138.5 (MANE Select); the canonical splice acceptor site of the intron before coding-DNA position 4748, one base duplicated (A; older notation c.4748-2dupA).
Molecular consequence: splice acceptor variant.
Genome position (GRCh38, 1-based): chr15:48,465,860, T duplicated on the plus strand (A on the coding strand, the reverse complement: FBN1 is on the minus strand). VCF-style (leftmost placement, unchanged base first): chr15-48465859-C-CT. GRCh37 (hg19) VCF-style: chr15-48758056-C-CT.
Other names: c.4748-2dup (NM_001406716.1).
Identifiers: ClinVar variation 961677 (VCV000961677.8), dbSNP rs2043316552, ClinGen allele CA1139663944.

ClinVar aggregate classification (germline): Uncertain significance (1 of 4 stars; one submission).

Conditions:
Marfan syndrome (MFS). Also called: FBN1-Related Marfan Syndrome; MARFAN SYNDROME, TYPE I; Marfan syndrome type 1; Marfan's syndrome; Marfan syndrome, classic. Identifiers: Orphanet 284963, Orphanet 558, MedGen C0024796, MONDO:0007947, OMIM 154700.
Familial thoracic aortic aneurysm and aortic dissection (TAAD). Also called: Thoracic aortic aneurysms and dissections. Identifiers: Orphanet 91387, MedGen C4707243, MONDO:0019625.

Submission:

Labcorp Genetics (formerly Invitae), Labcorp
Classification: Uncertain significance for Marfan syndrome; Familial thoracic aortic aneurysm and aortic dissection. Last evaluated: 2019-11-08. Review status: criteria provided, single submitter. Criteria: Invitae Variant Classification Sherloc (09022015). Collection method: clinical testing. Allele origin: germline.
Comment: This variant has not been reported in the literature in individuals with FBN1-related conditions. This variant is not present in population databases (ExAC no frequency). This sequence change falls in intron 38 of the FBN1 gene. It does not directly change the encoded amino acid sequence of the FBN1 protein, but it affects a nucleotide within the consensus splice site of the intron. In summary, the available evidence is currently insufficient to determine the role of this variant in disease. Therefore, it has been classified as a Variant of Uncertain Significance. Nucleotide substitutions within the consensus splice site are a relatively common cause of aberrant splicing (PMID: 17576681, 9536098). Algorithms developed to predict the effect of sequence changes on RNA splicing suggest that this variant may disrupt the consensus splice site, but this prediction has not been confirmed by published transcriptional studies.

Literature cited by the submitters: PubMed 17576681; PubMed 9536098.